The following is an entry in ClinVar:

NM_003791.4(MBTPS1):c.2567dup (p.Lys857fs)

Gene: MBTPS1 (membrane bound transcription factor peptidase, site 1; minus strand). Cytogenetic location: 16q23.3.
Variant type: Duplication.
Coding change: c.2567dup on transcript NM_003791.4 (MANE Select); coding-DNA position 2567, one base duplicated (A; older notation c.2567dupA).
Protein change: p.Lys857fs; shifts the reading frame from lysine 857.
Molecular consequence: frameshift variant.
Genome position (GRCh38, 1-based): chr16:84,063,310, T duplicated on the plus strand (A on the coding strand, the reverse complement: MBTPS1 is on the minus strand). VCF-style (leftmost placement, unchanged base first): chr16-84063309-C-CT. GRCh37 (hg19) VCF-style: chr16-84096914-C-CT.
Other names: short protein forms K857fs.
Identifiers: ClinVar variation 2576117 (VCV002576117.1), dbSNP rs2507731785, ClinGen allele CA2580613908.

ClinVar aggregate classification (germline): Likely pathogenic (1 of 4 stars; one submission).

Allele frequency attached by ClinVar (database versions not stated): gnomAD exomes below 0.00001.

Submission:

Institute for Clinical Genetics, University Hospital TU Dresden, University Hospital TU Dresden
Classification: Likely pathogenic. Last evaluated: 2023-04-17. Review status: criteria provided, single submitter. Criteria: ACMG Guidelines, 2015. Collection method: clinical testing. Allele origin: paternal.
Comment: PVS1, PM2_SUP